The following is an entry in ClinVar:

NM_000179.3(MSH6):c.255C>A (p.Pro85=)

Genes: MSH6 (mutS homolog 6; plus strand), LOC129933707 (ATAC-STARR-seq lymphoblastoid silent region 11468; plus strand). Cytogenetic location: 2p16.3.
Variant type: single nucleotide variant.
Coding change: c.255C>A on transcript NM_000179.3 (MANE Select); coding-DNA position 255, C replaced by A.
Protein change: p.Pro85=; no amino-acid change (proline 85 retained).
Molecular consequence: synonymous variant. On other transcripts: 5 prime UTR variant (1), intron variant (1).
Genome position (GRCh38, 1-based): chr2:47,783,488, C>A. VCF-style: chr2-47783488-C-A. GRCh37 (hg19) VCF-style: chr2-48010627-C-A.
Other names: c.-482C>A (NM_001281493.2); c.237+18C>A (NM_001281492.2).
Identifiers: ClinVar variation 89288 (VCV000089288.32), dbSNP rs587779242, ClinGen allele CA010387.
Genomic context (GRCh38, chr2:47,783,488, plus strand): 5'-ACCGCCCAAGGCGAAGAACCTCAACGGAGGGCTGCGGAGATCGGTAGCGCCTGCTGCCCC[C>A]ACCAGGTAGCGGGGTGGGGGTGGGGTCGAAGGCGGGGGCATAGCGGCGGGGCGCTTGGAA-3'
Protein context (NP_000170.1, residues 75-95): GLRRSVAPAA[Pro85=]TSCDFSPGDL

ClinVar aggregate classification (germline): Benign/Likely benign. Review status: criteria provided, multiple submitters, no conflicts (2 of 4 stars). 15 submissions from 15 submitters: Benign (4); Likely benign (9). 2 of the submissions do not count toward it. Last evaluated 2026-02-03.

Conditions:
Hereditary nonpolyposis colorectal neoplasms. Identifiers: MedGen C0009405, MeSH D003123.
Hereditary cancer-predisposing syndrome. Also called: Neoplastic Syndromes, Hereditary; Tumor predisposition; Hereditary Cancer Syndrome; Hereditary neoplastic syndrome. Identifiers: Orphanet 140162, MedGen C0027672, MeSH D009386, MONDO:0015356.
Lynch syndrome. Identifiers: Orphanet 144, MedGen C4552100, MONDO:0005835. Disease mechanism: loss of function.
Lynch syndrome 5 (LYNCH5). Also called: Hereditary non-polyposis colorectal cancer, type 5; Colorectal cancer, hereditary nonpolyposis, type 5. Identifiers: Orphanet 144, MedGen C1833477, MONDO:0013710, OMIM 614350. Disease mechanism: loss of function.

Allele frequency attached by ClinVar (database versions not stated): ExAC below 0.00001; TOPMed 0.00004.
gnomAD v4.1: 105 of 1,427,282 alleles (0.0074%); highest among the groups gnomAD compares: Non-Finnish European, 0.0093%; no homozygotes.

Submissions (15):

Labcorp Genetics (formerly Invitae), Labcorp
Classification: Benign for Hereditary nonpolyposis colorectal neoplasms. Last evaluated: 2026-02-03. Review status: criteria provided, single submitter. Criteria: Invitae Variant Classification Sherloc (09022015). Collection method: clinical testing. Allele origin: germline.

Center for Genomic Medicine, Rigshospitalet, Copenhagen University Hospital
Classification: Likely benign. Last evaluated: 2025-03-04. Review status: criteria provided, single submitter. Criteria: ACMG Guidelines, 2015. Collection method: clinical testing. Allele origin: germline.

Laboratory of Genetics, Children's Clinical University Hospital Latvia
Classification: Benign. Last evaluated: 2025-02-16. Review status: criteria provided, single submitter. Criteria: ACMG Guidelines, 2015. Collection method: clinical testing. Allele origin: germline. Affected: yes.

Blueprint Genetics
Classification: Likely benign. Last evaluated: 2024-07-08. Review status: criteria provided, single submitter. Criteria: ACMG Guidelines, 2015. Collection method: clinical testing. Allele origin: germline.

All of Us Research Program, National Institutes of Health
Classification: Likely benign for Lynch syndrome. Last evaluated: 2024-02-05. Review status: criteria provided, single submitter. Criteria: ACMG Guidelines, 2015. Collection method: clinical testing. Allele origin: germline. Inheritance: Autosomal dominant inheritance. Observed: 17 variant alleles, 16 heterozygotes, 1 homozygote.
Comment: This study involves interpretation of variants in research participants for the purpose of population health screening. Participant phenotype was not available at the time of variant classification. Additional details can be found in publication PMID: 35346344, PMCID: PMC8962531

Myriad Genetics, Inc.
Classification: Benign for Lynch syndrome 5. Last evaluated: 2023-03-29. Review status: criteria provided, single submitter. Criteria: Myriad Autosomal Dominant, Autosomal Recessive and X-Linked Classification Criteria (2023). Collection method: clinical testing. Allele origin: unknown.
Comment: This variant is considered benign. This variant is a silent/synonymous amino acid change and it is not expected to impact splicing.

Department of Pathology and Laboratory Medicine, Sinai Health System
Classification: Likely benign for Lynch syndrome. Last evaluated: 2022-03-29. Review status: criteria provided, single submitter. Criteria: ACMG Guidelines, 2015. Collection method: clinical testing. Allele origin: germline. Affected: yes.

Sema4
Classification: Likely benign for Hereditary cancer-predisposing syndrome. Last evaluated: 2021-05-06. Review status: criteria provided, single submitter. Criteria: Sema4 Curation Guidelines. Collection method: curation. Allele origin: germline.

Quest Diagnostics Nichols Institute San Juan Capistrano
Classification: Likely benign. Last evaluated: 2020-08-14. Review status: criteria provided, single submitter. Criteria: Quest Diagnostics criteria. Collection method: clinical testing. Allele origin: unknown.

Women's Health and Genetics/Laboratory Corporation of America, LabCorp
Classification: Likely benign. Last evaluated: 2020-01-31. Review status: criteria provided, single submitter. Criteria: LabCorp Variant Classification Summary - May 2015. Collection method: clinical testing. Allele origin: germline.

Color Diagnostics, LLC DBA Color Health
Classification: Likely benign for Hereditary cancer-predisposing syndrome. Last evaluated: 2015-06-02. Review status: criteria provided, single submitter. Criteria: ACMG Guidelines, 2015. Collection method: clinical testing. Allele origin: germline.

GeneDx
Classification: Benign. Last evaluated: 2015-03-03. Review status: criteria provided, single submitter. Criteria: GeneDx Variant Classification Process June 2021. Collection method: clinical testing. Allele origin: germline. Affected: yes.

Ambry Genetics
Classification: Likely benign for Hereditary cancer-predisposing syndrome. Last evaluated: 2014-12-24. Review status: criteria provided, single submitter. Criteria: Ambry Variant Classification Scheme 2023. Collection method: clinical testing. Allele origin: germline.

Genetic Services Laboratory, University of Chicago
Classification: Likely benign. Last evaluated: 2022-07-14. Review status: no assertion criteria provided. Collection method: clinical testing. Allele origin: germline. Affected: no. Not counted in ClinVar's aggregate classification.

Counsyl
Classification: Likely benign for Lynch syndrome 5. Last evaluated: 2018-05-09. Review status: no assertion criteria provided. Collection method: clinical testing. Allele origin: unknown. Not counted in ClinVar's aggregate classification.

Literature cited by the submitters: PubMed 23047549 (cited by 3 submitters).